The following is an entry in ClinVar:

NM_007294.4(BRCA1):c.1564G>A (p.Asp522Asn)

Gene: BRCA1 (BRCA1 DNA repair associated; minus strand). Cytogenetic location: 17q21.31.
Variant type: single nucleotide variant.
Coding change: c.1564G>A on transcript NM_007294.4 (MANE Select); coding-DNA position 1564, G replaced by A.
Protein change: p.Asp522Asn; replaces aspartic acid 522 with asparagine.
Molecular consequence: missense variant. On other transcripts: intron variant (137).
Genome position (GRCh38, 1-based): chr17:43,093,967, C>T on the plus strand (G>A on the coding strand, the complement: BRCA1 is on the minus strand). VCF-style: chr17-43093967-C-T. GRCh37 (hg19) VCF-style: chr17-41245984-C-T.
Other names: c.1423G>A, p.Asp475Asn (NM_001407734.1, NM_001407735.1, NM_001407736.1 and 29 more transcripts); c.1420G>A, p.Asp474Asn (NM_001407740.1, NM_001407741.1, NM_001407742.1 and 20 more transcripts); c.1351G>A, p.Asp451Asn (NM_001407853.1, NM_001407894.1, NM_001407895.1 and 9 more transcripts); c.1564G>A, p.Asp522Asn (NM_001407854.1, NM_001407858.1, NM_001407859.1 and 30 more transcripts); c.1561G>A, p.Asp521Asn (NM_001407860.1, NM_001407861.1, NM_001407587.1 and 22 more transcripts); c.1363G>A, p.Asp455Asn (NM_001407862.1); c.1441G>A, p.Asp481Asn (NM_001407863.1, NM_001407919.1, NM_001407937.1 and 19 more transcripts); c.1360G>A, p.Asp454Asn (NM_001407874.1, NM_001407875.1); and 40 more; short protein forms D522N, D475N, D410N, D481N, D495N, D394N, D433N, D451N.
Identifiers: ClinVar variation 54293 (VCV000054293.5), dbSNP rs80357453, ClinGen allele CA001047.

ClinVar aggregate classification (germline): Likely benign. Review status: criteria provided, single submitter (1 of 4 stars). 3 submissions from 3 submitters: Likely benign (1). 2 of the submissions do not count toward it. Last evaluated 2023-03-23.

Conditions:
Hereditary cancer-predisposing syndrome. Also called: Tumor predisposition; Neoplastic Syndromes, Hereditary; Hereditary Cancer Syndrome; Hereditary neoplastic syndrome. Identifiers: Orphanet 140162, MedGen C0027672, MeSH D009386, MONDO:0015356.
Breast-ovarian cancer, familial, susceptibility to, 1 (BROVCA1). Also called: OVARIAN CANCER, SUSCEPTIBILITY TO; BRCA1 Hereditary Breast and Ovarian Cancer. Identifiers: Orphanet 145, MedGen C2676676, MONDO:0011450, OMIM 604370. Disease mechanism: loss of function.

Submissions (3):

University of Washington Department of Laboratory Medicine, University of Washington
Classification: Likely benign for Hereditary cancer-predisposing syndrome. Last evaluated: 2023-03-23. Review status: criteria provided, single submitter. Criteria: Dines et al. (Genet Med. 2020). Collection method: curation. Allele origin: germline.
Comment: Missense variant in a coldspot region where missense variants are very unlikely to be pathogenic (PMID:31911673).

BRCA1 coldspot (exon 11 using historical exon numbering). Reclassification based on statistical prior probability

Sharing Clinical Reports Project (SCRP)
Classification: Uncertain significance for Breast-ovarian cancer, familial 1. Last evaluated: 2008-05-22. Review status: no assertion criteria provided. Collection method: clinical testing. Allele origin: germline. Not counted in ClinVar's aggregate classification.

Breast Cancer Information Core (BIC) (BRCA1)
Classification: Uncertain significance for Breast-ovarian cancer, familial 1. Last evaluated: 2002-05-29. Review status: no assertion criteria provided. Collection method: clinical testing. Allele origin: germline. Affected: yes. Observed: 1 variant allele. Not counted in ClinVar's aggregate classification.